The following is an entry in ClinVar:

NM_004168.4(SDHA):c.1508A>C (p.Asp503Ala)

Gene: SDHA (succinate dehydrogenase complex flavoprotein subunit A; plus strand). Cytogenetic location: 5p15.33.
Variant type: single nucleotide variant.
Coding change: c.1508A>C on transcript NM_004168.4 (MANE Select); coding-DNA position 1508, A replaced by C.
Protein change: p.Asp503Ala; replaces aspartic acid 503 with alanine.
Molecular consequence: missense variant.
Genome position (GRCh38, 1-based): chr5:240,433, A>C. VCF-style: chr5-240433-A-C. GRCh37 (hg19) VCF-style: chr5-240548-A-C.
Other names: c.1364A>C, p.Asp455Ala (NM_001294332.2); c.1508A>C, p.Asp503Ala (NM_001330758.2); short protein forms D455A, D503A.
Identifiers: ClinVar variation 1043397 (VCV001043397.12), dbSNP rs1736066055, ClinGen allele CA359014323.

ClinVar aggregate classification (germline): Uncertain significance. Review status: criteria provided, multiple submitters, no conflicts (2 of 4 stars). 2 submissions from 2 submitters: Uncertain significance (2). Last evaluated 2024-12-20.

Conditions:
Mitochondrial complex II deficiency, nuclear type 1. Also called: SUCCINATE CoQ REDUCTASE DEFICIENCY. Identifiers: Orphanet 3208, MedGen C5700310, MONDO:0100294, OMIM 252011.
Pheochromocytoma/paraganglioma syndrome 5. Also called: Paragangliomas 5; SDHA-Related Hereditary Paraganglioma-Pheochromocytoma Syndrome. Identifiers: Orphanet 29072, MedGen C3279992, MONDO:0013602, OMIM 614165.
Hereditary cancer-predisposing syndrome. Also called: Tumor predisposition; Hereditary neoplastic syndrome; Neoplastic Syndromes, Hereditary; Hereditary Cancer Syndrome. Identifiers: Orphanet 140162, MedGen C0027672, MeSH D009386, MONDO:0015356.

Submissions (2):

Ambry Genetics
Classification: Uncertain significance for Hereditary cancer-predisposing syndrome. Last evaluated: 2024-12-20. Review status: criteria provided, single submitter. Criteria: Ambry Variant Classification Scheme 2023. Collection method: clinical testing. Allele origin: germline.
Comment: The p.D503A variant (also known as c.1508A>C), located in coding exon 11 of the SDHA gene, results from an A to C substitution at nucleotide position 1508. The aspartic acid at codon 503 is replaced by alanine, an amino acid with dissimilar properties. This amino acid position is poorly conserved in available vertebrate species. In addition, this alteration is predicted to be tolerated by in silico analysis. Based on the available evidence, the clinical significance of this variant remains unclear.

Labcorp Genetics (formerly Invitae), Labcorp
Classification: Uncertain significance for Pheochromocytoma/paraganglioma syndrome 5; Mitochondrial complex II deficiency, nuclear type 1. Last evaluated: 2020-06-22. Review status: criteria provided, single submitter. Criteria: Invitae Variant Classification Sherloc (09022015). Collection method: clinical testing. Allele origin: germline.
Comment: This variant is not present in population databases (ExAC no frequency). This sequence change replaces aspartic acid with alanine at codon 503 of the SDHA protein (p.Asp503Ala). The aspartic acid residue is weakly conserved and there is a moderate physicochemical difference between aspartic acid and alanine. In summary, the available evidence is currently insufficient to determine the role of this variant in disease. Therefore, it has been classified as a Variant of Uncertain Significance. Algorithms developed to predict the effect of missense changes on protein structure and function are either unavailable or do not agree on the potential impact of this missense change (SIFT: "Deleterious"; PolyPhen-2: "Benign"; Align-GVGD: "Class C0"). This variant has not been reported in the literature in individuals with SDHA-related conditions.